The following is an entry in ClinVar:

NM_138576.4(BCL11B):c.1011C>T (p.Leu337=)

Gene: BCL11B (BCL11 transcription factor B; minus strand). Cytogenetic location: 14q32.2.
Variant type: single nucleotide variant.
Coding change: c.1011C>T on transcript NM_138576.4 (MANE Select); coding-DNA position 1011, C replaced by T.
Protein change: p.Leu337=; no amino-acid change (leucine 337 retained).
Molecular consequence: synonymous variant.
Genome position (GRCh38, 1-based): chr14:99,175,825, G>A on the plus strand (C>T on the coding strand, the complement: BCL11B is on the minus strand). VCF-style: chr14-99175825-G-A. GRCh37 (hg19) VCF-style: chr14-99642162-G-A.
Other names: c.1008C>T, p.Leu336= (NM_001282237.2); c.795C>T, p.Leu265= (NM_001282238.2); c.798C>T, p.Leu266= (NM_022898.3).
Identifiers: ClinVar variation 726136 (VCV000726136.11), dbSNP rs535040572, ClinGen allele CA7339753.
Genomic context (GRCh38, chr14:99,175,825, plus strand): 5'-GTCGATGGCCATGGGGTTCAGGCGCATGACTCGGTCGAAGGCACTGGGGTGCTGGGCGAC[G>A]AGCCCCATCTCCTCGGCACTGAGGCGGTGCGGGTCCAGGTGGTGGCGCGGCGGGGGACTG-3'
Protein context (NP_612808.1, residues 327-347): PHRLSAEEMG[Leu337=]VAQHPSAFDR

ClinVar aggregate classification (germline): Benign/Likely benign. Review status: criteria provided, multiple submitters, no conflicts (2 of 4 stars). 3 submissions from 3 submitters: Benign (1); Likely benign (2). Last evaluated 2026-08-01.

Allele frequency attached by ClinVar (database versions not stated): gnomAD 0.00007; gnomAD exomes 0.00008 and 0.00025; TOPMed 0.00009; 1000 Genomes Project 30x 0.00016; 1000 Genomes Project 0.00020; ExAC 0.00054.
gnomAD v4.1: 112 of 1,474,864 alleles (0.0076%); highest among the groups gnomAD compares: Admixed American, 0.07%; 1 homozygote.

Submissions (3):

CeGaT Center for Human Genetics Tuebingen
Classification: Likely benign. Last evaluated: 2026-08-01. Review status: criteria provided, single submitter. Criteria: CeGaT Center For Human Genetics Tuebingen Variant Classification Criteria Version 2. Collection method: clinical testing. Allele origin: germline. Affected: yes. Observed: 1 variant allele.
Comment: BCL11B: BP4, BP7

Labcorp Genetics (formerly Invitae), Labcorp
Classification: Benign. Last evaluated: 2025-09-29. Review status: criteria provided, single submitter. Criteria: Invitae Variant Classification Sherloc (09022015). Collection method: clinical testing. Allele origin: germline.

Blueprint Genetics
Classification: Likely benign. Last evaluated: 2022-01-07. Review status: criteria provided, single submitter. Criteria: ACMG Guidelines, 2015. Collection method: clinical testing. Allele origin: germline.